The following is an entry in ClinVar:

ClinVar aggregate classification (germline): Benign. Review status: criteria provided, multiple submitters, no conflicts (2 of 4 stars). 2 submissions from 2 submitters: Benign (2). Last evaluated 2018-06-14.

Allele frequency attached by ClinVar (database versions not stated): 1000 Genomes Project 0.60982; 1000 Genomes Project 30x 0.61134; TOPMed 0.62324; gnomAD 0.63317 and 0.63406.
gnomAD v4.1: 240,212 of 372,994 alleles (64%); highest among the groups gnomAD compares: South Asian, 69%; 78,328 homozygotes.

Submissions (2):

GeneDx
Classification: Benign. Last evaluated: 2018-06-14. Review status: criteria provided, single submitter. Criteria: GeneDx Variant Classification (06012015). Collection method: clinical testing. Allele origin: germline. Affected: yes.
Comment: This variant is considered likely benign or benign based on one or more of the following criteria: it is a conservative change, it occurs at a poorly conserved position in the protein, it is predicted to be benign by multiple in silico algorithms, and/or has population frequency not consistent with disease.

Breakthrough Genomics
Classification: Benign. Review status: criteria provided, single submitter. Criteria: ACMG Guidelines, 2015. Collection method: not provided. Allele origin: germline. Inheritance: Autosomal dominant inheritance. Affected: yes.

NM_001098511.3(KIF2A):c.64+298T>C

Genes: KIF2A (kinesin family member 2A; plus strand), LOC129993961 (ATAC-STARR-seq lymphoblastoid silent region 16051; plus strand). Cytogenetic location: 5q12.1.
Variant type: single nucleotide variant.
Coding change: c.64+298T>C on transcript NM_001098511.3 (MANE Select); 298 bases into the intron after coding-DNA position 64, T replaced by C.
Molecular consequence: intron variant.
Genome position (GRCh38, 1-based): chr5:62,306,834, T>C. VCF-style: chr5-62306834-T-C. GRCh37 (hg19) VCF-style: chr5-61602661-T-C.
Other names: c.-221+298T>C (NM_001243952.2); c.64+298T>C (NM_004520.5, NM_001243953.2).
Identifiers: ClinVar variation 683951 (VCV000683951.2), dbSNP rs4290970, ClinGen allele CA11970185.
Genomic context (GRCh38, chr5:62,306,834, plus strand): 5'-GGCCCGGGTGTCGAGGGTCGCGTCTCCGGGGGTCTCTGGGCGAGGGCCGCTCGCTCCTCC[T>C]CCCGCAATCTCCAGCCCCCCCCCGGGGACACCAGCCCGGGAGGGAGCGGGCTTCGTTAGG-3'